The following is an entry in ClinVar:

NM_000264.5(PTCH1):c.3014G>A (p.Gly1005Glu)

Gene: PTCH1 (patched 1; minus strand). Cytogenetic location: 9q22.32.
Variant type: single nucleotide variant.
Coding change: c.3014G>A on transcript NM_000264.5 (MANE Select); coding-DNA position 3014, G replaced by A.
Protein change: p.Gly1005Glu; replaces glycine 1005 with glutamic acid.
Molecular consequence: missense variant. On other transcripts: non-coding transcript variant (1).
Genome position (GRCh38, 1-based): chr9:95,458,167, C>T on the plus strand (G>A on the coding strand, the complement: PTCH1 is on the minus strand). VCF-style: chr9-95458167-C-T. GRCh37 (hg19) VCF-style: chr9-98220449-C-T.
Other names: c.2816G>A, p.Gly939Glu (NM_001083602.3); c.3011G>A, p.Gly1004Glu (NM_001083603.3); c.2561G>A, p.Gly854Glu (NM_001083604.3, NM_001083605.3, NM_001083606.3 and 1 more transcripts); c.2858G>A, p.Gly953Glu (NM_001354918.2); c.3014G>A (NM_000264.3); short protein forms G1004E, G1005E, G854E, G939E, G953E.
Identifiers: ClinVar variation 1054734 (VCV001054734.13), dbSNP rs1839122259, ClinGen allele CA374112577.

ClinVar aggregate classification (germline): Uncertain significance. Review status: criteria provided, multiple submitters, no conflicts (2 of 4 stars). 2 submissions from 2 submitters: Uncertain significance (2). Last evaluated 2024-10-29.

Conditions:
Hereditary cancer-predisposing syndrome. Also called: Hereditary Cancer Syndrome; Tumor predisposition; Hereditary neoplastic syndrome; Neoplastic Syndromes, Hereditary. Identifiers: Orphanet 140162, MedGen C0027672, MeSH D009386, MONDO:0015356.
Gorlin syndrome. Also called: Nevoid Basal Cell Carcinoma Syndrome; Basal cell nevus syndrome. Identifiers: Orphanet 377, MedGen C0004779, MONDO:0007187.

Submissions (2):

Ambry Genetics
Classification: Uncertain significance for Hereditary cancer-predisposing syndrome. Last evaluated: 2024-10-29. Review status: criteria provided, single submitter. Criteria: Ambry Variant Classification Scheme 2023. Collection method: clinical testing. Allele origin: germline.
Comment: The p.G1005E variant (also known as c.3014G>A), located in coding exon 18 of the PTCH1 gene, results from a G to A substitution at nucleotide position 3014. The glycine at codon 1005 is replaced by glutamic acid, an amino acid with similar properties. This amino acid position is conserved. In addition, this alteration is predicted to be deleterious by in silico analysis. Based on the available evidence, the clinical significance of this variant remains unclear.

Labcorp Genetics (formerly Invitae), Labcorp
Classification: Uncertain significance for Gorlin syndrome. Last evaluated: 2021-07-09. Review status: criteria provided, single submitter. Criteria: Invitae Variant Classification Sherloc (09022015). Collection method: clinical testing. Allele origin: germline.
Comment: In summary, the available evidence is currently insufficient to determine the role of this variant in disease. Therefore, it has been classified as a Variant of Uncertain Significance. Algorithms developed to predict the effect of missense changes on protein structure and function are either unavailable or do not agree on the potential impact of this missense change (SIFT: "Deleterious"; PolyPhen-2: "Probably Damaging"; Align-GVGD: "Class C0"). This variant has not been reported in the literature in individuals with PTCH1-related conditions. This variant is not present in population databases (ExAC no frequency). This sequence change replaces glycine with glutamic acid at codon 1005 of the PTCH1 protein (p.Gly1005Glu). The glycine residue is highly conserved and there is a moderate physicochemical difference between glycine and glutamic acid.